The following is an entry in ClinVar:

ClinVar aggregate classification (germline): Benign/Likely benign. Review status: criteria provided, multiple submitters, no conflicts (2 of 4 stars). 4 submissions from 4 submitters: Benign (1); Likely benign (3). Last evaluated 2024-09-24.

Conditions:
Hereditary cancer-predisposing syndrome. Also called: Neoplastic Syndromes, Hereditary; Hereditary neoplastic syndrome; Hereditary Cancer Syndrome; Tumor predisposition. Identifiers: Orphanet 140162, MedGen C0027672, MeSH D009386, MONDO:0015356.
Hereditary diffuse gastric adenocarcinoma (HDGC). Also called: DIFFUSE GASTRIC AND LOBULAR BREAST CANCER SYNDROME. Identifiers: Orphanet 26106, MedGen C1708349, MONDO:0007648, OMIM 137215.

Allele frequency attached by ClinVar (database versions not stated): gnomAD exomes below 0.00001.
gnomAD v4.1: 1 of 1,613,920 alleles (0.000062%); highest among the groups gnomAD compares: Admixed American, 0.0017%; no homozygotes.

Submissions (4):

Myriad Genetics, Inc.
Classification: Benign for Hereditary diffuse gastric adenocarcinoma. Last evaluated: 2024-09-24. Review status: criteria provided, single submitter. Criteria: Myriad Autosomal Dominant, Autosomal Recessive and X-Linked Classification Criteria (2023). Collection method: clinical testing. Allele origin: unknown.
Comment: This variant is considered benign. This variant is a silent/synonymous amino acid change and it is not expected to impact splicing.

Ambry Genetics
Classification: Likely benign for Hereditary cancer-predisposing syndrome. Last evaluated: 2023-01-18. Review status: criteria provided, single submitter. Criteria: Ambry Variant Classification Scheme 2023. Collection method: clinical testing. Allele origin: germline.

Labcorp Genetics (formerly Invitae), Labcorp
Classification: Likely benign for Hereditary diffuse gastric adenocarcinoma. Last evaluated: 2022-12-03. Review status: criteria provided, single submitter. Criteria: Invitae Variant Classification Sherloc (09022015). Collection method: clinical testing. Allele origin: germline.

Color Diagnostics, LLC DBA Color Health
Classification: Likely benign for Hereditary cancer-predisposing syndrome. Last evaluated: 2022-10-10. Review status: criteria provided, single submitter. Criteria: ACMG Guidelines, 2015. Collection method: clinical testing. Allele origin: germline.

NM_004360.5(CDH1):c.2631A>C (p.Gly877=)

Gene: CDH1 (cadherin 1; plus strand). Cytogenetic location: 16q22.1.
Variant type: single nucleotide variant.
Coding change: c.2631A>C on transcript NM_004360.5 (MANE Select); coding-DNA position 2631, A replaced by C.
Protein change: p.Gly877=; no amino-acid change (glycine 877 retained).
Molecular consequence: synonymous variant.
Genome position (GRCh38, 1-based): chr16:68,833,481, A>C. VCF-style: chr16-68833481-A-C. GRCh37 (hg19) VCF-style: chr16-68867384-A-C.
Other names: c.2631A>C (NM_004360.3); c.2448A>C, p.Gly816= (NM_001317184.2); c.1083A>C, p.Gly361= (NM_001317185.2); c.666A>C, p.Gly222= (NM_001317186.2).
Identifiers: ClinVar variation 1584734 (VCV001584734.14), dbSNP rs1280792587, ClinGen allele CA496393233.
Genomic context (GRCh38, chr16:68,833,481, plus strand): 5'-GGACTATGACTACTTGAACGAATGGGGCAATCGCTTCAAGAAGCTGGCTGACATGTACGG[A>C]GGCGGCGAGGACGACTAGGGGACTCGAGAGAGGCGGGCCCCAGACCCATGTGCTGGGAAA-3'
Protein context (NP_004351.1, residues 867-882): NRFKKLADMY[Gly877=]GGEDD